The following is an entry in ClinVar:

NM_000059.4(BRCA2):c.2019T>G (p.Asn673Lys)

Gene: BRCA2 (BRCA2 DNA repair associated; plus strand). Cytogenetic location: 13q13.1.
Variant type: single nucleotide variant.
Coding change: c.2019T>G on transcript NM_000059.4 (MANE Select); coding-DNA position 2019, T replaced by G.
Protein change: p.Asn673Lys; replaces asparagine 673 with lysine.
Molecular consequence: missense variant. On other transcripts: non-coding transcript variant (1), intron variant (2).
Genome position (GRCh38, 1-based): chr13:32,336,374, T>G. VCF-style: chr13-32336374-T-G. GRCh37 (hg19) VCF-style: chr13-32910511-T-G.
Other names: c.2019T>G, p.Asn673Lys (NM_001406719.1, NM_001406720.1, NM_001432077.1); c.1909+2987T>G (NM_001406721.1); c.424+5344T>G (NM_001406722.1); short protein forms N673K.
Identifiers: ClinVar variation 4215887 (VCV004215887.1).
Genomic context (GRCh38, chr13:32,336,374, plus strand): 5'-AGAACCAACTTTGTCCTTAACTAGCTCTTTTGGGACAATTCTGAGGAAATGTTCTAGAAA[T>G]GAAACATGTTCTAATAATACAGTAATCTCTCAGGATCTTGATTATAAAGAAGCAAAATGT-3'
Protein context (NP_000050.3, residues 663-683): FGTILRKCSR[Asn673Lys]ETCSNNTVIS

ClinVar aggregate classification (germline): Uncertain significance (1 of 4 stars; one submission).

Conditions:
Hereditary cancer-predisposing syndrome. Also called: Hereditary Cancer Syndrome; Hereditary neoplastic syndrome; Neoplastic Syndromes, Hereditary; Tumor predisposition. Identifiers: Orphanet 140162, MedGen C0027672, MeSH D009386, MONDO:0015356.

Submission:

Ambry Genetics
Classification: Uncertain significance for Hereditary cancer-predisposing syndrome. Last evaluated: 2025-08-02. Review status: criteria provided, single submitter. Criteria: Ambry Variant Classification Scheme 2023. Collection method: clinical testing. Allele origin: germline.
Comment: The p.N673K variant (also known as c.2019T>G), located in coding exon 10 of the BRCA2 gene, results from a T to G substitution at nucleotide position 2019. The asparagine at codon 673 is replaced by lysine, an amino acid with similar properties. This amino acid position is conserved. In addition, this alteration is predicted to be tolerated by in silico analysis. Based on the available evidence, the clinical significance of this variant remains unclear.